The following is an entry in ClinVar:

ClinVar aggregate classification (germline): Conflicting classifications of pathogenicity. Review status: criteria provided, conflicting classifications (1 of 4 stars). 5 submissions from 5 submitters: Uncertain significance (4); Benign (1). Last evaluated 2026-01-19.

Conditions:
Basal cell carcinoma, susceptibility to, 1. Also called: BCC1. Identifiers: MedGen C2751544, MONDO:0011556, OMIM 605462.
Basal cell nevus syndrome 1 (BCNS1). Also called: GORLIN-GOLTZ SYNDROME; MULTIPLE BASAL CELL NEVI, ODONTOGENIC KERATOCYSTS, AND SKELETAL ANOMALIES. Identifiers: MedGen CN376810, MONDO:0958174, OMIM 109400.
Holoprosencephaly 7 (HPE7). Identifiers: Orphanet 2162, MedGen C1835820, MONDO:0012562, OMIM 610828.
Hereditary cancer-predisposing syndrome. Also called: Tumor predisposition; Hereditary Cancer Syndrome; Neoplastic Syndromes, Hereditary; Hereditary neoplastic syndrome. Identifiers: Orphanet 140162, MedGen C0027672, MeSH D009386, MONDO:0015356.
Gorlin syndrome. Also called: Nevoid Basal Cell Carcinoma Syndrome; Basal cell nevus syndrome. Identifiers: Orphanet 377, MedGen C0004779, MONDO:0007187.

Allele frequency attached by ClinVar (database versions not stated): ExAC 0.00001; gnomAD exomes 0.00001; TOPMed 0.00003; gnomAD 0.00005 and 0.00006.
gnomAD v4.1: 16 of 1,611,792 alleles (0.00099%); highest among the groups gnomAD compares: African/African-American, 0.013%; no homozygotes.

Submissions (5):

Labcorp Genetics (formerly Invitae), Labcorp
Classification: Benign for Gorlin syndrome. Last evaluated: 2026-01-19. Review status: criteria provided, single submitter. Criteria: Invitae Variant Classification Sherloc (09022015). Collection method: clinical testing. Allele origin: germline.

Ambry Genetics
Classification: Uncertain significance for Hereditary cancer-predisposing syndrome. Last evaluated: 2025-02-13. Review status: criteria provided, single submitter. Criteria: Ambry Variant Classification Scheme 2023. Collection method: clinical testing. Allele origin: germline.
Comment: The p.Y49C variant (also known as c.146A>G), located in coding exon 1 of the PTCH1 gene, results from an A to G substitution at nucleotide position 146. The tyrosine at codon 49 is replaced by cysteine, an amino acid with highly dissimilar properties. This amino acid position is highly conserved in available vertebrate species. In addition, this alteration is predicted to be deleterious by in silico analysis. Based on the available evidence, the clinical significance of this variant remains unclear.

Quest Diagnostics Nichols Institute San Juan Capistrano
Classification: Uncertain significance. Last evaluated: 2025-01-07. Review status: criteria provided, single submitter. Criteria: Quest Diagnostics criteria. Collection method: clinical testing. Allele origin: unknown.
Comment: The PTCH1 c.146A>G (p.Tyr49Cys) variant has been reported in the published literature in at least one individual with a personal and/or family history of breast cancer (PMID: 36315513 (2022)). The frequency of this variant in the general population (Genome Aggregation Database) is uninformative in the assessment of its pathogenicity. Analysis of this variant using bioinformatics tools for the prediction of the effect of amino acid changes on protein structure and function yielded predictions that this variant is damaging. Based on the available information, we are unable to determine the clinical significance of this variant.

GeneDx
Classification: Uncertain significance. Last evaluated: 2024-04-05. Review status: criteria provided, single submitter. Criteria: GeneDx Variant Classification Process June 2021. Collection method: clinical testing. Allele origin: germline. Affected: yes.
Comment: In silico analysis indicates that this missense variant does not alter protein structure/function; Observed in individual(s) with personal or family history of breast and/or ovarian cancer (PMID: 36315513); This variant is associated with the following publications: (PMID: 36315513)

Fulgent Genetics
Classification: Uncertain significance for Basal cell nevus syndrome 1; Basal cell carcinoma, susceptibility to, 1; Holoprosencephaly 7. Last evaluated: 2024-01-23. Review status: criteria provided, single submitter. Criteria: ACMG Guidelines, 2015. Collection method: clinical testing. Allele origin: germline.

Literature cited by the submitters: PubMed 36315513 (cited by Quest Diagnostics Nichols Institute San Juan Capistrano).

NM_000264.5(PTCH1):c.146A>G (p.Tyr49Cys)

Genes: PTCH1 (patched 1; minus strand), LOC130002133 (ATAC-STARR-seq lymphoblastoid silent region 20071; plus strand). Cytogenetic location: 9q22.32.
Variant type: single nucleotide variant.
Coding change: c.146A>G on transcript NM_000264.5 (MANE Select); coding-DNA position 146, A replaced by G.
Protein change: p.Tyr49Cys; replaces tyrosine 49 with cysteine.
Molecular consequence: missense variant. On other transcripts: non-coding transcript variant (1), intron variant (3).
Genome position (GRCh38, 1-based): chr9:95,508,216, T>C on the plus strand (A>G on the coding strand, the complement: PTCH1 is on the minus strand). VCF-style: chr9-95508216-T-C. GRCh37 (hg19) VCF-style: chr9-98270498-T-C.
Other names: c.146A>G, p.Tyr49Cys (NM_001354918.2); c.199-1617A>G (NM_001083603.3); c.4-1617A>G (NM_001083602.3, NM_001354919.2); c.146A>G (NM_000264.4); short protein forms Y49C.
Identifiers: ClinVar variation 216371 (VCV000216371.18), dbSNP rs774156512, ClinGen allele CA337135.